The following is an entry in ClinVar:

ClinVar aggregate classification (germline): Likely benign. Review status: criteria provided, multiple submitters, no conflicts (2 of 4 stars). 2 submissions from 2 submitters: Likely benign (2). Last evaluated 2025-08-01.

gnomAD v4.1: 11 of 1,613,840 alleles (0.00068%); highest among the groups gnomAD compares: South Asian, 0.0022%; no homozygotes.

Submissions (2):

CeGaT Center for Human Genetics Tuebingen
Classification: Likely benign. Last evaluated: 2025-08-01. Review status: criteria provided, single submitter. Criteria: CeGaT Center For Human Genetics Tuebingen Variant Classification Criteria Version 2. Collection method: clinical testing. Allele origin: germline. Affected: yes. Observed: 1 variant allele.
Comment: RYR3: BP4, BP7

Blueprint Genetics
Classification: Likely benign. Last evaluated: 2024-02-20. Review status: criteria provided, single submitter. Criteria: ACMG Guidelines, 2015. Collection method: clinical testing. Allele origin: germline.

NM_001036.6(RYR3):c.12462C>T (p.Thr4154=)

Gene: RYR3 (ryanodine receptor 3; plus strand). Cytogenetic location: 15q14.
Variant type: single nucleotide variant.
Coding change: c.12462C>T on transcript NM_001036.6 (MANE Select); coding-DNA position 12462, C replaced by T.
Protein change: p.Thr4154=; no amino-acid change (threonine 4154 retained).
Molecular consequence: synonymous variant.
Genome position (GRCh38, 1-based): chr15:33,838,442, C>T. VCF-style: chr15-33838442-C-T. GRCh37 (hg19) VCF-style: chr15-34130643-C-T.
Other names: c.12447C>T, p.Thr4149= (NM_001243996.4).
Identifiers: ClinVar variation 4085036 (VCV004085036.9).